The following is an entry in ClinVar:

NM_001374353.1(GLI2):c.189G>A (p.Pro63=)

Gene: GLI2 (GLI family zinc finger 2; plus strand). Cytogenetic location: 2q14.2.
Variant type: single nucleotide variant.
Coding change: c.189G>A on transcript NM_001374353.1 (MANE Select); coding-DNA position 189, G replaced by A.
Protein change: p.Pro63=; no amino-acid change (proline 63 retained).
Molecular consequence: synonymous variant. On other transcripts: intron variant (1).
Genome position (GRCh38, 1-based): chr2:120,927,401, G>A. VCF-style: chr2-120927401-G-A. GRCh37 (hg19) VCF-style: chr2-121684977-G-A.
Other names: c.189G>A, p.Pro63= (NM_001371271.1, NM_005270.5); c.-121-23842G>A (NM_001374354.1).
Identifiers: ClinVar variation 1677414 (VCV001677414.17), dbSNP rs200471311, ClinGen allele CA1851448.

ClinVar aggregate classification (germline): Conflicting classifications of pathogenicity. Review status: criteria provided, conflicting classifications (1 of 4 stars). 4 submissions from 4 submitters: Uncertain significance (1); Likely benign (3). Last evaluated 2025-12-24.

Conditions:
Postaxial polydactyly-anterior pituitary anomalies-facial dysmorphism syndrome. Also called: Culler-Jones syndrome. Identifiers: Orphanet 420584, MedGen C4014479, MONDO:0014369, OMIM 615849.
Holoprosencephaly 9 (HPE9). Also called: PITUITARY ANOMALIES WITH HOLOPROSENCEPHALY-LIKE FEATURES; HOLOPROSENCEPHALY WITH MICROPHTHALMIA AND FIRST BRANCHIAL ARCH ANOMALIES. Identifiers: Orphanet 2162, MedGen C1835819, MONDO:0012563, OMIM 610829.

Allele frequency attached by ClinVar (database versions not stated): TOPMed 0.00011; ExAC 0.00012; gnomAD exomes 0.00012; ESP Exome Variant Server 0.00015; gnomAD 0.00016 and 0.00017; 1000 Genomes Project 0.00020; 1000 Genomes Project 30x 0.00031.
gnomAD v4.1: 222 of 1,613,996 alleles (0.014%); highest among the groups gnomAD compares: Middle Eastern, 0.049%; no homozygotes.

Submissions (4):

Labcorp Genetics (formerly Invitae), Labcorp
Classification: Likely benign for Postaxial polydactyly-anterior pituitary anomalies-facial dysmorphism syndrome; Holoprosencephaly 9. Last evaluated: 2025-12-24. Review status: criteria provided, single submitter. Criteria: Invitae Variant Classification Sherloc (09022015). Collection method: clinical testing. Allele origin: germline.

CeGaT Center for Human Genetics Tuebingen
Classification: Likely benign. Last evaluated: 2025-05-01. Review status: criteria provided, single submitter. Criteria: CeGaT Center For Human Genetics Tuebingen Variant Classification Criteria Version 2. Collection method: clinical testing. Allele origin: germline. Affected: yes. Observed: 1 variant allele.
Comment: GLI2: BP4, BP7

Blueprint Genetics
Classification: Likely benign. Last evaluated: 2024-01-31. Review status: criteria provided, single submitter. Criteria: ACMG Guidelines, 2015. Collection method: clinical testing. Allele origin: germline.

AiLife Diagnostics
Classification: Uncertain significance. Last evaluated: 2021-08-03. Review status: criteria provided, single submitter. Criteria: ACMG Guidelines, 2015. Collection method: clinical testing. Allele origin: germline. Affected: yes. Observed: 1 variant allele.